The following is an entry in ClinVar:

NC_000011.9:g.(108129803_108137897)_(108239830_?)del

Gene: ATM (ATM serine/threonine kinase; plus strand). Cytogenetic location: 11q22.3.
Variant type: Deletion.
Identifiers: ClinVar variation 3336034 (VCV003336034.1).

ClinVar aggregate classification (germline): Pathogenic (1 of 4 stars; one submission).

Conditions:
Ataxia-telangiectasia syndrome (AT). Also called: Ataxia-telangiectasia, complementation group E; Ataxia-telangiectasia, complementation group D; ATAXIA-TELANGIECTASIA, COMPLEMENTATION GROUP A; ATAXIA-TELANGIECTASIA, FRESNO VARIANT; Cerebello-oculocutaneous telangiectasia; Immunodeficiency with ataxia telangiectasia. Identifiers: Orphanet 100, MedGen C0004135, MONDO:0008840, OMIM 208900.

Submission:

Women's Health and Genetics/Laboratory Corporation of America, LabCorp
Classification: Pathogenic for Ataxia-telangiectasia syndrome. Last evaluated: 2024-05-10. Review status: criteria provided, single submitter. Criteria: LabCorp Variant Classification Summary - May 2015. Collection method: clinical testing. Allele origin: germline.
Comment: Variant summary: The variant involves the deletion of exons 17-63 in the ATM gene. A presumed nomenclature of c.(2466+1_2467-1)_(*3595_?)del has been designated for the purposes of this classification. The exact breakpoint at the distal 3' end of this variant is unknown, therefore this deletion may extend downstream of the annotated region of the gene. As it encompasses the termination codon, it is predicted to escape nonsense mediated decay (NMD). The variant was absent in 120780 control chromosomes in the gnomAD database (Structural Variants v4.0 dataset). Deletion of exons 17-63 has been reported in the literature in individuals with a personal and/or family history of breast/ovarian cancer and other tumor phenotypes (e.g. Servais_2016 (NO_PMID), El Jabbour_2022). To our knowledge, no experimental evidence demonstrating an impact on protein function has been reported. However, missense variants within the deleted region are classified as pathogenic by our laboratory and others in ClinVar, suggesting that the affected region is essential for proper function. The following publications have been ascertained in the context of this evaluation (PMID: 35078243). ClinVar contains an entry for this variant (Variation ID: 583789). Based on the evidence outlined above, the variant was classified as pathogenic.

Literature cited by the submitters: PubMed 35078243.